The following is an entry in ClinVar:

NM_001378418.1(TCF20):c.1519C>G (p.Pro507Ala)

Gene: TCF20 (transcription factor 20; minus strand). Cytogenetic location: 22q13.2.
Variant type: single nucleotide variant.
Coding change: c.1519C>G on transcript NM_001378418.1 (MANE Select); coding-DNA position 1519, C replaced by G.
Protein change: p.Pro507Ala; replaces proline 507 with alanine.
Molecular consequence: missense variant.
Genome position (GRCh38, 1-based): chr22:42,213,787, G>C on the plus strand (C>G on the coding strand, the complement: TCF20 is on the minus strand). VCF-style: chr22-42213787-G-C. GRCh37 (hg19) VCF-style: chr22-42609793-G-C.
Other names: c.1519C>G, p.Pro507Ala (NM_005650.4, NM_181492.3); short protein forms P507A.
Identifiers: ClinVar variation 1909390 (VCV001909390.5), dbSNP rs371550964, ClinGen allele CA10267168.
Genomic context (GRCh38, chr22:42,213,787, plus strand): 5'-AACTGCTGGAGCAGCCTCCATCTAATGACTCTGCCATAGGGGACTTCAGCTGTTCTTCAG[G>C]TTGTGAGGAGCCTTCAGAATTTGTGCAGCTATCTGCTTTCTTGGAAGATGAGGGCCTCTT-3'
Protein context (NP_001365347.1, residues 497-517): SCTNSEGSSQ[Pro507Ala]EEQLKSPMAE

ClinVar aggregate classification (germline): Uncertain significance (1 of 4 stars; one submission).

Allele frequency attached by ClinVar (database versions not stated): gnomAD 0.00002; TOPMed 0.00003; ESP Exome Variant Server 0.00008.
gnomAD v4.1: 100 of 1,614,036 alleles (0.0062%); highest among the groups gnomAD compares: Non-Finnish European, 0.0082%; no homozygotes.

Submission:

Labcorp Genetics (formerly Invitae), Labcorp
Classification: Uncertain significance. Last evaluated: 2026-01-03. Review status: criteria provided, single submitter. Criteria: Invitae Variant Classification Sherloc (09022015). Collection method: clinical testing. Allele origin: germline.
Comment: This sequence change replaces proline, which is neutral and non-polar, with alanine, which is neutral and non-polar, at codon 507 of the TCF20 protein (p.Pro507Ala). This variant is present in population databases (rs371550964, gnomAD 0.009%). This variant has not been reported in the literature in individuals affected with TCF20-related conditions. ClinVar contains an entry for this variant (Variation ID: 1909390). An algorithm developed to predict the effect of missense changes on protein structure and function outputs the following: PolyPhen-2: "Benign". The alanine amino acid residue is found in multiple mammalian species, which suggests that this missense change does not adversely affect protein function. In summary, the available evidence is currently insufficient to determine the role of this variant in disease. Therefore, it has been classified as a Variant of Uncertain Significance.